The following is an entry in ClinVar:

ClinVar aggregate classification (germline): Likely benign. Review status: criteria provided, multiple submitters, no conflicts (2 of 4 stars). 4 submissions from 4 submitters: Likely benign (3). 1 of the submissions does not count toward it. Last evaluated 2024-12-19.

Conditions:
Familial thoracic aortic aneurysm and aortic dissection (TAAD). Also called: Thoracic aortic aneurysms and dissections. Identifiers: Orphanet 91387, MedGen C4707243, MONDO:0019625.
Aortic aneurysm, familial thoracic 7 (AAT7). Also called: AORTIC DISSECTION, FAMILIAL, WITH OR WITHOUT AORTIC ANEURYSM. Identifiers: MedGen C3151077, MONDO:0013418, OMIM 613780.
MYLK-related disorder. Also called: MYLK-related condition.

Allele frequency attached by ClinVar (database versions not stated): TOPMed below 0.00001; ExAC 0.00001; gnomAD 0.00001; gnomAD exomes 0.00001; 1000 Genomes Project 0.00020; 1000 Genomes Project 30x 0.00031.
gnomAD v4.1: 7 of 1,614,182 alleles (0.00043%); highest among the groups gnomAD compares: East Asian, 0.011%; no homozygotes.

Submissions (4):

ARUP Laboratories, Molecular Genetics and Genomics, ARUP Laboratories
Classification: Likely benign. Last evaluated: 2024-12-19. Review status: criteria provided, single submitter. Criteria: ARUP Molecular Germline Variant Investigation Process 2024. Collection method: clinical testing. Allele origin: germline.

Labcorp Genetics (formerly Invitae), Labcorp
Classification: Likely benign for Aortic aneurysm, familial thoracic 7. Last evaluated: 2024-06-25. Review status: criteria provided, single submitter. Criteria: Invitae Variant Classification Sherloc (09022015). Collection method: clinical testing. Allele origin: germline.

Ambry Genetics
Classification: Likely benign for Familial thoracic aortic aneurysm and aortic dissection. Last evaluated: 2024-04-07. Review status: criteria provided, single submitter. Criteria: Ambry Variant Classification Scheme 2023. Collection method: clinical testing. Allele origin: germline.

PreventionGenetics, part of Exact Sciences
Classification: Likely benign for MYLK-related condition. Last evaluated: 2019-12-13. Review status: no assertion criteria provided. Collection method: clinical testing. Allele origin: germline. Not counted in ClinVar's aggregate classification.
Comment: This variant is classified as likely benign based on ACMG/AMP sequence variant interpretation guidelines (Richards et al. 2015 PMID: 25741868, with internal and published modifications).

NM_053025.4(MYLK):c.5430T>C (p.Tyr1810=)

Genes: MYLK (myosin light chain kinase; minus strand), MYLK-AS1 (MYLK antisense RNA 1; plus strand). Cytogenetic location: 3q21.1.
Variant type: single nucleotide variant.
Coding change: c.5430T>C on transcript NM_053025.4 (MANE Select); coding-DNA position 5430, T replaced by C.
Protein change: p.Tyr1810=; no amino-acid change (tyrosine 1810 retained).
Molecular consequence: synonymous variant.
Genome position (GRCh38, 1-based): chr3:123,618,709, A>G on the plus strand (T>C on the coding strand, the complement: MYLK is on the minus strand). VCF-style: chr3-123618709-A-G. GRCh37 (hg19) VCF-style: chr3-123337556-A-G.
Other names: c.5430T>C (NM_053025.3); c.4902T>C, p.Tyr1634= (NM_001321309.2); c.5223T>C, p.Tyr1741= (NM_053026.4); c.5277T>C, p.Tyr1759= (NM_053027.4); c.5070T>C, p.Tyr1690= (NM_053028.4); c.147T>C, p.Tyr49= (NM_053031.4); c.150T>C, p.Tyr50= (NM_053032.4).
Identifiers: ClinVar variation 1539017 (VCV001539017.12), dbSNP rs534877967, ClinGen allele CA072964.
Genomic context (GRCh38, chr3:123,618,709, plus strand): 5'-GCAGTCAAATCTAGCAGCACTTCCCTCCACAACTTCTAAATCGCGAATGGTCTTAGAGAA[A>G]TAGGGTTTTACATGAGGCTTTTCCTCAGCAACAGCCTCAAGGAAAGCTTGGGACACATCT-3'
Protein context (NP_444253.3, residues 1800-1820): VAEEKPHVKP[Tyr1810=]FSKTIRDLEV